The following is an entry in ClinVar:

ClinVar aggregate classification (germline): Uncertain significance (1 of 4 stars; one submission).

Conditions:
Severe combined immunodeficiency due to DNA-PKcs deficiency. Also called: IMMUNODEFICIENCY 26 WITH NEUROLOGIC ABNORMALITIES; Immunodeficiency 26 with or without neurologic abnormalities. Identifiers: Orphanet 317425, MedGen C4014833, MONDO:0014423, OMIM 615966.

Submission:

Labcorp Genetics (formerly Invitae), Labcorp
Classification: Uncertain significance for Severe combined immunodeficiency due to DNA-PKcs deficiency. Last evaluated: 2020-10-31. Review status: criteria provided, single submitter. Criteria: Invitae Variant Classification Sherloc (09022015). Collection method: clinical testing. Allele origin: germline.
Comment: This sequence change replaces serine with arginine at codon 3497 of the PRKDC protein (p.Ser3497Arg). The serine residue is weakly conserved and there is a moderate physicochemical difference between serine and arginine. This variant is not present in population databases (ExAC no frequency). This variant has not been reported in the literature in individuals with PRKDC-related conditions. Experimental studies and prediction algorithms are not available or were not evaluated, and the functional significance of this variant is currently unknown. In summary, the available evidence is currently insufficient to determine the role of this variant in disease. Therefore, it has been classified as a Variant of Uncertain Significance.

NM_006904.7(PRKDC):c.10491C>G (p.Ser3497Arg)

Gene: PRKDC (protein kinase, DNA-activated, catalytic subunit; minus strand). Cytogenetic location: 8q11.21.
Variant type: single nucleotide variant.
Coding change: c.10491C>G on transcript NM_006904.7 (MANE Select); coding-DNA position 10491, C replaced by G.
Protein change: p.Ser3497Arg; replaces serine 3497 with arginine.
Molecular consequence: missense variant.
Genome position (GRCh38, 1-based): chr8:47,794,469, G>C on the plus strand (C>G on the coding strand, the complement: PRKDC is on the minus strand). VCF-style: chr8-47794469-G-C. GRCh37 (hg19) VCF-style: chr8-48707030-G-C.
Other names: c.10491C>G, p.Ser3497Arg (NM_001081640.2); short protein forms S3497R.
Identifiers: ClinVar variation 1495786 (VCV001495786.1), dbSNP rs2154497996, ClinGen allele CA371134301.